The following is an entry in ClinVar:

ClinVar aggregate classification (germline): Uncertain significance (1 of 4 stars; one submission).

Conditions:
Norman-Roberts syndrome (LIS2). Also called: Lissencephaly 2 (Norman-Roberts type). Identifiers: Orphanet 89844, MedGen C0796089, MONDO:0009760, OMIM 257320.
Familial temporal lobe epilepsy 7. Identifiers: Orphanet 101046, MedGen C4225327, MONDO:0014639, OMIM 616436.

Allele frequency attached by ClinVar (database versions not stated): gnomAD exomes below 0.00001.
gnomAD v4.1: 1 of 1,614,170 alleles (0.000062%); highest among the groups gnomAD compares: South Asian, 0.0011%; no homozygotes.

Submission:

Labcorp Genetics (formerly Invitae), Labcorp
Classification: Uncertain significance for Familial temporal lobe epilepsy 7; Norman-Roberts syndrome. Last evaluated: 2022-08-22. Review status: criteria provided, single submitter. Criteria: Invitae Variant Classification Sherloc (09022015). Collection method: clinical testing. Allele origin: germline.
Comment: This sequence change replaces valine, which is neutral and non-polar, with leucine, which is neutral and non-polar, at codon 2272 of the RELN protein (p.Val2272Leu). In summary, the available evidence is currently insufficient to determine the role of this variant in disease. Therefore, it has been classified as a Variant of Uncertain Significance. Algorithms developed to predict the effect of missense changes on protein structure and function (SIFT, PolyPhen-2, Align-GVGD) all suggest that this variant is likely to be tolerated. This variant has not been reported in the literature in individuals affected with RELN-related conditions. This variant is not present in population databases (gnomAD no frequency).

NM_005045.4(RELN):c.6814G>C (p.Val2272Leu)

Gene: RELN (reelin; minus strand). Cytogenetic location: 7q22.1.
Variant type: single nucleotide variant.
Coding change: c.6814G>C on transcript NM_005045.4 (MANE Select); coding-DNA position 6814, G replaced by C.
Protein change: p.Val2272Leu; replaces valine 2272 with leucine.
Molecular consequence: missense variant.
Genome position (GRCh38, 1-based): chr7:103,540,313, C>G on the plus strand (G>C on the coding strand, the complement: RELN is on the minus strand). VCF-style: chr7-103540313-C-G. GRCh37 (hg19) VCF-style: chr7-103180760-C-G.
Other names: c.6814G>C, p.Val2272Leu (NM_173054.3); short protein forms V2272L.
Identifiers: ClinVar variation 2132790 (VCV002132790.4), dbSNP rs2117129475, ClinGen allele CA368769894.